The following is an entry in ClinVar:

ClinVar aggregate classification (germline): Uncertain significance (1 of 4 stars; one submission).

Submission:

Labcorp Genetics (formerly Invitae), Labcorp
Classification: Uncertain significance. Last evaluated: 2025-02-02. Review status: criteria provided, single submitter. Criteria: Invitae Variant Classification Sherloc (09022015). Collection method: clinical testing. Allele origin: germline.
Comment: This sequence change falls in intron 6 of the BGN gene. It does not directly change the encoded amino acid sequence of the BGN protein. This variant is not present in population databases (gnomAD no frequency). This variant has not been reported in the literature in individuals affected with BGN-related conditions. This variant is also known as p.Leu258*. Experimental studies and prediction algorithms are not available or were not evaluated, and the effect of this variant on mRNA splicing is currently unknown. In summary, the available evidence is currently insufficient to determine the role of this variant in disease. Therefore, it has been classified as a Variant of Uncertain Significance.

NM_001711.6(BGN):c.770+2_771dup (p.Leu258Ter)

Gene: BGN (biglycan; plus strand). Cytogenetic location: Xq28.
Variant type: Duplication.
Coding change: c.770+2_771dup on transcript NM_001711.6 (MANE Select); the canonical splice donor site of the intron after coding-DNA position 770 through coding-DNA position 771, 123 bases duplicated.
Protein change: p.Leu258Ter; replaces leucine 258 with a stop codon.
Molecular consequence: nonsense, splice acceptor variant, splice donor variant.
Genome position (GRCh38, 1-based): chrX:153,506,925-153,507,047, 123 bases duplicated. GRCh37 (hg19): chrX:152,772,383-152,772,505.
Other names: short protein forms L258*.
Identifiers: ClinVar variation 4712185 (VCV004712185.1).